The following is an entry in ClinVar:

ClinVar aggregate classification (germline): Conflicting classifications of pathogenicity. Review status: criteria provided, conflicting classifications (1 of 4 stars). 3 submissions from 3 submitters: Uncertain significance (1); Likely benign (2). Last evaluated 2025-08-05.

Conditions:
Inborn genetic diseases. Identifiers: MedGen C0950123, MeSH D030342.
MORC2-related disorder. Also called: MORC2-related condition.
Charcot-Marie-Tooth disease axonal type 2Z. Also called: CHARCOT-MARIE-TOOTH NEUROPATHY, TYPE 2Z; CHARCOT-MARIE-TOOTH DISEASE, AXONAL, AUTOSOMAL DOMINANT, TYPE 2Z. Identifiers: Orphanet 466768, MedGen C5569025, MONDO:0014736, OMIM 616688.

Allele frequency attached by ClinVar (database versions not stated): ESP Exome Variant Server 0.00008; gnomAD exomes below 0.00001 and 0.00001; TOPMed below 0.00001; ExAC 0.00001; gnomAD 0.00001.
gnomAD v4.1: 13 of 1,612,498 alleles (0.00081%); highest among the groups gnomAD compares: Non-Finnish European, 0.001%; no homozygotes.

Submissions (3):

PreventionGenetics, part of Exact Sciences
Classification: Likely benign for MORC2-related condition. Last evaluated: 2025-08-05. Review status: criteria provided, single submitter. Criteria: ACMG Guidelines, 2015. Collection method: clinical testing. Allele origin: germline.
Comment: This variant is classified as likely benign based on ACMG/AMP sequence variant interpretation guidelines (Richards et al. 2015 PMID: 25741868, with internal and published modifications).

Labcorp Genetics (formerly Invitae), Labcorp
Classification: Likely benign for Charcot-Marie-Tooth disease axonal type 2Z. Last evaluated: 2025-01-06. Review status: criteria provided, single submitter. Criteria: Invitae Variant Classification Sherloc (09022015). Collection method: clinical testing. Allele origin: germline.

Ambry Genetics
Classification: Uncertain significance for Inborn genetic diseases. Last evaluated: 2019-11-21. Review status: criteria provided, single submitter. Criteria: Ambry Variant Classification Scheme 2023. Collection method: clinical testing. Allele origin: germline.
Comment: The c.3031-4C>G intronic variant results from a C to G substitution 4 nucleotides upstream from coding exon 26 in the MORC2 gene. This nucleotide position is not well conserved in available vertebrate species. Using the BDGP and ESEfinder splice site prediction tools, this alteration is not predicted to have any significant effect on this splice acceptor site; however, direct evidence is unavailable. Since supporting evidence is limited at this time, the clinical significance of this alteration remains unclear.

NM_001303256.3(MORC2):c.3031-4C>G

Gene: MORC2 (MORC family CW-type zinc finger 2; minus strand). Cytogenetic location: 22q12.2.
Variant type: single nucleotide variant.
Coding change: c.3031-4C>G on transcript NM_001303256.3 (MANE Select); 4 bases into the intron before coding-DNA position 3031, C replaced by G.
Molecular consequence: intron variant.
Genome position (GRCh38, 1-based): chr22:30,926,875, G>C on the plus strand (C>G on the coding strand, the complement: MORC2 is on the minus strand). VCF-style: chr22-30926875-G-C. GRCh37 (hg19) VCF-style: chr22-31322862-G-C.
Other names: c.3022-4C>G (NM_001303257.2); c.2845-4C>G (NM_014941.3).
Identifiers: ClinVar variation 750837 (VCV000750837.11), dbSNP rs373542143, ClinGen allele CA10186464.